The following is an entry in ClinVar:

NM_019616.4(F7):c.988_989delinsCT (p.Ala330Leu)

Gene: F7 (coagulation factor VII; plus strand). Cytogenetic location: 13q34.
Variant type: Indel.
Coding change: c.988_989delinsCT on transcript NM_019616.4 (MANE Select); coding-DNA positions 988 to 989, GC replaced by CT.
Protein change: p.Ala330Leu; replaces alanine 330 with leucine.
Molecular consequence: missense variant. On other transcripts: non-coding transcript variant (1).
Genome position (GRCh38, 1-based): chr13:113,118,661-113,118,662, GC replaced by CT. VCF-style: chr13-113118661-GC-CT. GRCh37 (hg19) VCF-style: chr13-113772975-GC-CT.
Other names: c.1054_1055delinsCT, p.Ala352Leu (NM_000131.5); c.802_803delinsCT, p.Ala268Leu (NM_001267554.2); short protein forms A268L, A330L, A352L.
Identifiers: ClinVar variation 4854963 (VCV004854963.1).
Genomic context (GRCh38, chr13:113,118,661, plus strand): 5'-ACGCTGGCCTTCGTGCGCTTCTCATTGGTCAGCGGCTGGGGCCAGCTGCTGGACCGTGGC[GC>CT]CACGGCCCTGGAGCTCATGGTCCTCAACGTGCCCCGGCTGATGACCCAGGACTGCCTGCA-3'
Protein context (NP_062562.1, residues 320-340): SGWGQLLDRG[Ala330Leu]TALELMVLNV

ClinVar aggregate classification (germline): Uncertain significance (1 of 4 stars; one submission).

Conditions:
Congenital factor VII deficiency. Identifiers: Orphanet 327, MedGen C0272320, MONDO:0009211, OMIM 227500.

Submission:

3billion
Classification: Uncertain significance for Congenital factor VII deficiency. Last evaluated: 2025-07-21. Review status: criteria provided, single submitter. Criteria: ACMG Guidelines, 2015. Collection method: clinical testing. Allele origin: germline. Affected: yes.
Comment: The variant is not observed in the gnomAD v4.1.0 dataset. Predicted Consequence/Location: Missense variant In silico tool predictions suggest damaging effect of the variant on gene or gene product [3Cnet: 0.99 (> 0.75, sensitivity 0.96 and precision 0.92)]. Therefore, this variant is classified as VUS according to the recommendation of ACMG/AMP guideline.